The following is an entry in ClinVar:

NM_001987.5(ETV6):c.984C>A (p.His328Gln)

Gene: ETV6 (ETS variant transcription factor 6; plus strand). Cytogenetic location: 12p13.2.
Variant type: single nucleotide variant.
Coding change: c.984C>A on transcript NM_001987.5 (MANE Select); coding-DNA position 984, C replaced by A.
Protein change: p.His328Gln; replaces histidine 328 with glutamine.
Molecular consequence: missense variant.
Genome position (GRCh38, 1-based): chr12:11,869,944, C>A. VCF-style: chr12-11869944-C-A. GRCh37 (hg19) VCF-style: chr12-12022878-C-A.
Other names: c.981C>A, p.His327Gln (NM_001413913.1); c.957C>A, p.His319Gln (NM_001413914.1); c.720C>A, p.His240Gln (NM_001413915.1); c.984C>A, p.His328Gln (NM_001413916.1, NM_001413917.1); short protein forms H327Q, H240Q, H328Q, H319Q.
Identifiers: ClinVar variation 4020052 (VCV004020052.1).

ClinVar aggregate classification (germline): Uncertain significance (1 of 4 stars; one submission).

Conditions:
Inborn genetic diseases. Identifiers: MedGen C0950123, MeSH D030342.

Submission:

Ambry Genetics
Classification: Uncertain significance for Inborn genetic diseases. Last evaluated: 2025-03-31. Review status: criteria provided, single submitter. Criteria: Ambry Variant Classification Scheme 2023. Collection method: clinical testing. Allele origin: germline.
Comment: The p.H328Q variant (also known as c.984C>A), located in coding exon 5 of the ETV6 gene, results from a C to A substitution at nucleotide position 984. The histidine at codon 328 is replaced by glutamine, an amino acid with highly similar properties. This amino acid position is conserved. In addition, this alteration is predicted to be tolerated by in silico analysis. Based on the available evidence, the clinical significance of this variant remains unclear.